The following continues an entry in ClinVar:

NM_007294.4(BRCA1):c.4113G>A (p.Gly1371=)

Gene: BRCA1. ClinVar aggregate classification (germline): Likely benign. Likely benign (1).

Submissions 23 to 30 of 30:

GeneDx
Classification: Benign. Last evaluated: 2014-02-25. Review status: criteria provided, single submitter. Criteria: GeneDx Variant Classification (06012015). Collection method: clinical testing. Allele origin: germline. Affected: yes. Not counted in ClinVar's aggregate classification.
Comment: This variant is considered likely benign or benign based on one or more of the following criteria: it is a conservative change, it occurs at a poorly conserved position in the protein, it is predicted to be benign by multiple in silico algorithms, and/or has population frequency not consistent with disease.

Breakthrough Genomics
Classification: Likely benign. Review status: criteria provided, single submitter. Criteria: ACMG Guidelines, 2015. Collection method: not provided. Allele origin: germline. Inheritance: Autosomal dominant inheritance. Affected: yes. Not counted in ClinVar's aggregate classification.

University of Science and Technology Houari Boumediene, Laboratory of Molecular and Cellular Biology (LBCM)
Classification: Benign for Breast-ovarian cancer, familial, susceptibility to, 1. Review status: criteria provided, single submitter. Criteria: ACMG Guidelines, 2015. Collection method: clinical testing. Allele origin: germline. Affected: yes. Observed: 1 heterozygote. Not counted in ClinVar's aggregate classification.

Hereditary Cancer Genetics group, Vall d'Hebron Institute of Oncology
Classification: Benign for Hereditary breast and ovarian cancer syndrome. Last evaluated: 2019-03-01. Review status: no assertion criteria provided. Collection method: research. Allele origin: germline. Affected: yes. Not counted in ClinVar's aggregate classification.

Clinical Genetics DNA and cytogenetics Diagnostics Lab, Erasmus MC, Erasmus Medical Center
Classification: Likely benign. Review status: no assertion criteria provided. Collection method: clinical testing. Allele origin: germline. Affected: yes. Study: VKGL Data-share Consensus. Not counted in ClinVar's aggregate classification.

Department of Pathology and Laboratory Medicine, Sinai Health System
Classification: Likely benign for Malignant tumor of breast. Review status: no assertion criteria provided. Collection method: clinical testing. Allele origin: unknown. Affected: yes. Study: The Canadian Open Genetics Repository (COGR). Not counted in ClinVar's aggregate classification.
Comment: The BRCA1 p.Gly1371Gly variant was identified in 1 of 158 proband chromosomes (frequency: 0.006) from individuals or families with breast and colon cancer, and was not identified in 200 control chromosomes from healthy individuals (Cherbal 2012). The variant was identified in dbSNP (ID: rs147448807), with a minor allele frequency of 0.0016 (1000 Genomes Project), NHLBI GO Exome Sequencing Project in 16 of 4406 alleles (freq.0.004). The variant was identified in the Exome Aggregation Consortium database (March 14, 2016) in 50 of 99796 chromosomes (freq. 0.000501) in the following populations: African in 45 of 8594 chromosomes (freq. 0.005236), European (Non-Finnish) in 2 of 54166 chromosomes (freq. 0.00003692), Latino in 3 of 9428 chromosomes (freq. 0.0003182), but was not seen in East Asian, European (Finnish), South Asian and Other populations, increasing the likelihood that this may be a low frequency benign variant in certain populations of origin; the ClinVar database (classified as a benign variant by GeneDx, Invitae and likely benign by Ambry Genetics, Emory Genetics Laboratory), GeneInsight COGR (2x, classified benign and as uncertain significance) and BRCA Share UMD (38x as likely neutral). In UMD the variant was identified with co-occurring pathogenic BRCA1 and BRCA2 variants (BRCA1 c.342_343delTC p.Pro115X, c.1423_1508del p.Ser475AlafsX2 and BRCA2 c.6984delG p.Glu2328AspfsX39, c.4889C>G, p.Ser1630X) increasing the likelihood that the p.Gly1371Gly variant does not have clinical significance. The p.Gly1371Gly variant is not expected to have clinical significance because it does not result in a change of amino acid and is not located in a known consensus splice site. The p.Gly1371Gly variant occurs outside of the splicing consensus sequence and 2 of 5 in silico or computational prediction software programs (SpliceSiteFinder, MaxEntScan, NNSPLICE, GeneSplicer, HumanSpliceFinder) predict a greater than 10% difference in splicing; this is not very predictive of pathogenicity. In summary, based on the above information, the clinical significance of this variant cannot be determined with certainty at this time although we would lean towards a more benign role for this variant. This variant is classified as likely benign.

Dr. Peter K. Rogan Lab, Western University
No classification provided (evidence only). Condition: Clear cell carcinoma of kidney. Review status: no classification provided. Collection method: in vitro. Allele origin: not applicable. Functional consequence: retained intron. Not counted in ClinVar's aggregate classification.

Joint Genome Diagnostic Labs from Nijmegen and Maastricht, Radboudumc and MUMC+
Classification: Likely benign. Review status: no assertion criteria provided. Collection method: clinical testing. Allele origin: germline. Affected: yes. Study: VKGL Data-share Consensus. Not counted in ClinVar's aggregate classification.

Literature cited by the submitters: DOI 10.3389/fgene.2022.834265 (cited by National Health Laboratory Service, Universitas Academic Hospital and University of the Free State); PubMed 36329109 (cited by Genetics Program, Instituto Nacional de Cancer); PubMed 21918853 (cited by Illumina Laboratory Services, Illumina); PubMed 22684231 (cited by Illumina Laboratory Services, Illumina and University of Science and Technology Houari Boumediene, Laboratory of Molecular and Cellular Biology (LBCM)); PubMed 25085752 (cited by Illumina Laboratory Services, Illumina); PubMed 17922257 (cited by Illumina Laboratory Services, Illumina); PubMed 20683152 (cited by Illumina Laboratory Services, Illumina and University of Science and Technology Houari Boumediene, Laboratory of Molecular and Cellular Biology (LBCM)); PubMed 30472649 (cited by Hereditary Cancer Genetics group, Vall d'Hebron Institute of Oncology).